The following is an entry in ClinVar:

NM_001931.5(DLAT):c.976-323A>G

Gene: DLAT (dihydrolipoamide S-acetyltransferase; plus strand). Cytogenetic location: 11q23.1.
Variant type: single nucleotide variant.
Coding change: c.976-323A>G on transcript NM_001931.5 (MANE Select); 323 bases into the intron before coding-DNA position 976, A replaced by G.
Molecular consequence: intron variant.
Genome position (GRCh38, 1-based): chr11:112,038,921, A>G. VCF-style: chr11-112038921-A-G. GRCh37 (hg19) VCF-style: chr11-111909645-A-G.
Other names: c.514-323A>G (NM_001372042.1); c.976-323A>G (NM_001372031.1, NM_001372033.1, NM_001372035.1 and 1 more transcripts); c.661-323A>G (NM_001372039.1, NM_001372041.1); c.697-323A>G (NM_001372038.1); c.595-323A>G (NM_001372040.1); c.943-323A>G (NM_001372034.1); c.850-323A>G (NM_001372036.1); c.808-323A>G (NM_001372037.1).
Identifiers: ClinVar variation 674118 (VCV000674118.1), dbSNP rs72991467, ClinGen allele CA228549506.

ClinVar aggregate classification (germline): Likely benign (1 of 4 stars; one submission).

Allele frequency attached by ClinVar (database versions not stated): 1000 Genomes Project 0.00958; 1000 Genomes Project 30x 0.01015; TOPMed 0.01187; gnomAD 0.01316 and 0.01350.

Submission:

GeneDx
Classification: Likely benign. Last evaluated: 2018-06-19. Review status: criteria provided, single submitter. Criteria: GeneDx Variant Classification (06012015). Collection method: clinical testing. Allele origin: germline. Affected: yes.
Comment: This variant is considered likely benign or benign based on one or more of the following criteria: it is a conservative change, it occurs at a poorly conserved position in the protein, it is predicted to be benign by multiple in silico algorithms, and/or has population frequency not consistent with disease.